The following is an entry in ClinVar:

NM_024570.4(RNASEH2B):c.508_509del (p.Lys170fs)

Gene: RNASEH2B (ribonuclease H2 subunit B; plus strand). Cytogenetic location: 13q14.3.
Variant type: Deletion.
Coding change: c.508_509del on transcript NM_024570.4 (MANE Select); coding-DNA positions 508 to 509, 2 bases deleted (AA; older notation c.508_509delAA).
Protein change: p.Lys170fs; shifts the reading frame from lysine 170.
Molecular consequence: frameshift variant.
Genome position (GRCh38, 1-based): chr13:50,943,392-50,943,393, AA deleted; deleting any 2 consecutive bases within chr13:50,943,387-50,943,393 gives the same sequence; the c. name uses the placement nearest the transcript's 3' end. VCF-style (leftmost placement, unchanged base first): chr13-50943386-GAA-G. GRCh37 (hg19) VCF-style: chr13-51517522-GAA-G.
Other names: c.508_509del, p.Lys170fs (NM_001142279.2, NM_001411023.1); short protein forms K170fs.
Identifiers: ClinVar variation 5015018 (VCV005015018.1).

ClinVar aggregate classification (germline): Pathogenic (1 of 4 stars; one submission).

Conditions:
Aicardi-Goutieres syndrome 2. Identifiers: Orphanet 51, MedGen C3489724, MONDO:0012429, OMIM 610181.

Submission:

Myriad Genetics, Inc.
Classification: Pathogenic for Aicardi-Goutieres syndrome 2. Last evaluated: 2025-09-24. Review status: criteria provided, single submitter. Criteria: Myriad Autosomal Dominant, Autosomal Recessive and X-Linked Classification Criteria (2023). Collection method: clinical testing. Allele origin: unknown.
Comment: NM_024570.3(RNASEH2B):c.508_509delAA(K170Gfs*2) is expected to be pathogenic in the context of Aicardi-Goutieres syndrome, RNASEH2B-related. This variant is predicted to lead to an abnormal or absent protein product due to the creation of a premature termination codon in RNASEH2B, a gene where loss-of-function variants are known to be pathogenic. Please note: this variant was assessed in the context of healthy population screening.